The following is an entry in ClinVar:

NM_001378454.1(ALMS1):c.301G>A (p.Gly101Ser)

Gene: ALMS1 (ALMS1 centrosome and basal body associated protein; plus strand). Cytogenetic location: 2p13.1.
Variant type: single nucleotide variant.
Coding change: c.301G>A on transcript NM_001378454.1 (MANE Select); coding-DNA position 301, G replaced by A.
Protein change: p.Gly101Ser; replaces glycine 101 with serine.
Molecular consequence: missense variant.
Genome position (GRCh38, 1-based): chr2:73,386,169, G>A. VCF-style: chr2-73386169-G-A. GRCh37 (hg19) VCF-style: chr2-73613297-G-A.
Other names: c.304G>A, p.Gly102Ser (NM_015120.4); short protein forms G101S, G102S.
Identifiers: ClinVar variation 1799250 (VCV001799250.5), dbSNP rs760639277, ClinGen allele CA1712790.

ClinVar aggregate classification (germline): Conflicting classifications of pathogenicity. Review status: criteria provided, conflicting classifications (1 of 4 stars). 2 submissions from 2 submitters: Uncertain significance (1); Likely benign (1). Last evaluated 2025-08-14.

Conditions:
Alstrom syndrome (ALMS). Identifiers: Orphanet 64, MedGen C0268425, MONDO:0008763, OMIM 203800.
Cardiovascular phenotype. Identifiers: MedGen CN230736.

Allele frequency attached by ClinVar (database versions not stated): gnomAD 0.00001; gnomAD exomes 0.00001; TOPMed 0.00001; ExAC 0.00007.
gnomAD v4.1: 14 of 1,549,490 alleles (0.0009%); highest among the groups gnomAD compares: Non-Finnish European, 0.0012%; no homozygotes.

Submissions (2):

Ambry Genetics
Classification: Likely benign for Cardiovascular phenotype. Last evaluated: 2025-08-14. Review status: criteria provided, single submitter. Criteria: Ambry Variant Classification Scheme 2023. Collection method: clinical testing. Allele origin: germline.

Labcorp Genetics (formerly Invitae), Labcorp
Classification: Uncertain significance for Alstrom syndrome. Last evaluated: 2022-06-03. Review status: criteria provided, single submitter. Criteria: Invitae Variant Classification Sherloc (09022015). Collection method: clinical testing. Allele origin: germline.
Comment: This sequence change replaces glycine, which is neutral and non-polar, with serine, which is neutral and polar, at codon 102 of the ALMS1 protein (p.Gly102Ser). This variant is present in population databases (rs760639277, gnomAD 0.004%). This variant has not been reported in the literature in individuals affected with ALMS1-related conditions. Experimental studies and prediction algorithms are not available or were not evaluated, and the functional significance of this variant is currently unknown. In summary, the available evidence is currently insufficient to determine the role of this variant in disease. Therefore, it has been classified as a Variant of Uncertain Significance.